The following is an entry in ClinVar:

NM_021619.3(PRDM12):c.1048_1049insACGCCGCCG (p.Ala349_Ala350insAspAlaAla)

Gene: PRDM12 (PR/SET domain 12; plus strand). Cytogenetic location: 9q34.12.
Variant type: Microsatellite.
Coding change: c.1048_1049insACGCCGCCG on transcript NM_021619.3 (MANE Select); coding-DNA positions 1048 to 1049, ACGCCGCCG inserted.
Protein change: p.Ala349_Ala350insAspAlaAla.
Molecular consequence: inframe insertion.
Genome position: GRCh38 VCF-style: chr9-130681605-T-TCGCCGCCGA. GRCh37 (hg19) VCF-style: chr9-133556992-T-TCGCCGCCGA.
Identifiers: ClinVar variation 2004644 (VCV002004644.4), dbSNP rs1830903501.

ClinVar aggregate classification (germline): Uncertain significance (1 of 4 stars; one submission).

Conditions:
Congenital insensitivity to pain-hypohidrosis syndrome. Also called: Neuropathy, hereditary sensory and autonomic, type VIII; HSAN VIII. Identifiers: Orphanet 478664, MedGen C4225308, MONDO:0014662, OMIM 616488.

Submission:

Labcorp Genetics (formerly Invitae), Labcorp
Classification: Uncertain significance for Congenital insensitivity to pain-hypohidrosis syndrome. Last evaluated: 2022-07-29. Review status: criteria provided, single submitter. Criteria: Invitae Variant Classification Sherloc (09022015). Collection method: clinical testing. Allele origin: germline.
Comment: This variant, c.1048_1049insACGCCGCCG, results in the insertion of 3 amino acid(s) of the PRDM12 protein (p.Ala349_Ala350insAspAlaAla), but otherwise preserves the integrity of the reading frame. The frequency data for this variant in the population databases is considered unreliable, as metrics indicate insufficient coverage at this position in the gnomAD database. This variant has not been reported in the literature in individuals affected with PRDM12-related conditions. In summary, the available evidence is currently insufficient to determine the role of this variant in disease. Therefore, it has been classified as a Variant of Uncertain Significance.